The following is an entry in ClinVar:

ClinVar aggregate classification (germline): Uncertain significance. Review status: criteria provided, multiple submitters, no conflicts (2 of 4 stars). 2 submissions from 2 submitters: Uncertain significance (2). Last evaluated 2025-04-10.

Conditions:
Inborn genetic diseases. Identifiers: MedGen C0950123, MeSH D030342.

Allele frequency attached by ClinVar (database versions not stated): gnomAD exomes 0.00001 and 0.00006; gnomAD 0.00003 and 0.00004; ESP Exome Variant Server 0.00008; ExAC 0.00001; TOPMed 0.00004.
gnomAD v4.1: 94 of 1,614,052 alleles (0.0058%); highest among the groups gnomAD compares: Non-Finnish European, 0.0072%; no homozygotes.

Submissions (2):

Ambry Genetics
Classification: Uncertain significance for Inborn genetic diseases. Last evaluated: 2025-04-10. Review status: criteria provided, single submitter. Criteria: Ambry Variant Classification Scheme 2023. Collection method: clinical testing. Allele origin: germline.

Labcorp Genetics (formerly Invitae), Labcorp
Classification: Uncertain significance. Last evaluated: 2024-12-23. Review status: criteria provided, single submitter. Criteria: Invitae Variant Classification Sherloc (09022015). Collection method: clinical testing. Allele origin: germline.
Comment: This sequence change replaces glycine, which is neutral and non-polar, with serine, which is neutral and polar, at codon 326 of the ADAMTS10 protein (p.Gly326Ser). This variant is present in population databases (rs373603462, gnomAD 0.004%). This variant has not been reported in the literature in individuals affected with ADAMTS10-related conditions. ClinVar contains an entry for this variant (Variation ID: 1374543). An algorithm developed to predict the effect of missense changes on protein structure and function (PolyPhen-2) suggests that this variant¬†is likely to be tolerated. In summary, the available evidence is currently insufficient to determine the role of this variant in disease. Therefore, it has been classified as a Variant of Uncertain Significance.

NM_030957.4(ADAMTS10):c.976G>A (p.Gly326Ser)

Gene: ADAMTS10 (ADAM metallopeptidase with thrombospondin type 1 motif 10; minus strand). Cytogenetic location: 19p13.2.
Variant type: single nucleotide variant.
Coding change: c.976G>A on transcript NM_030957.4 (MANE Select); coding-DNA position 976, G replaced by A.
Protein change: p.Gly326Ser; replaces glycine 326 with serine.
Molecular consequence: missense variant.
Genome position (GRCh38, 1-based): chr19:8,597,051, C>T on the plus strand (G>A on the coding strand, the complement: ADAMTS10 is on the minus strand). VCF-style: chr19-8597051-C-T. GRCh37 (hg19) VCF-style: chr19-8661935-C-T.
Other names: c.976G>A (NM_030957.2); short protein forms G326S.
Identifiers: ClinVar variation 1374543 (VCV001374543.7), dbSNP rs373603462, ClinGen allele CA9160676.